The following is an entry in ClinVar:

ClinVar aggregate classification (germline): Uncertain significance (1 of 4 stars; one submission).

Conditions:
Retinal disorder. Also called: Retinopathy; Retinopathies; Retinal Diseases; Retinal disorders. Identifiers: MedGen C0035309, MONDO:0005283, HP:0000488.

Submission:

Genetics Laboratory, Great Ormond Street Hospital NHS Foundation Trust, North Thames Genomic Laboratory Hub
Classification: Uncertain significance for Retinal disorders. Last evaluated: 2026-09-07. Review status: criteria provided, single submitter. Criteria: ACGS Best Practice Guidelines for Variant Classification in Rare Disease 2024 v1.2. Collection method: clinical testing. Allele origin: germline. Affected: yes.
Comment: PVS1_very-strong

NM_015629.4(PRPF31):c.1074-2A>C

Gene: PRPF31 (pre-mRNA processing factor 31; plus strand). Cytogenetic location: 19q13.42.
Variant type: single nucleotide variant.
Coding change: c.1074-2A>C on transcript NM_015629.4 (MANE Select); the canonical splice acceptor site of the intron before coding-DNA position 1074, A replaced by C.
Molecular consequence: splice acceptor variant.
Genome position (GRCh38, 1-based): chr19:54,128,303, A>C. VCF-style: chr19-54128303-A-C. GRCh37 (hg19) VCF-style: chr19-54631678-A-C.
Identifiers: ClinVar variation 5042065 (VCV005042065.1).